The following is an entry in ClinVar:

ClinVar aggregate classification (germline): Benign. Review status: criteria provided, multiple submitters, no conflicts (2 of 4 stars). 9 submissions from 9 submitters: Benign (7). 2 of the submissions do not count toward it. Last evaluated 2026-02-04.

Conditions:
Epidermodysplasia verruciformis, susceptibility to, 2. Also called: Epidermodysplasia verruciformis 2. Identifiers: MedGen C4722258, MONDO:0032614, OMIM 618231.
Epidermodysplasia verruciformis. Identifiers: Orphanet 302, MedGen C0014522, MONDO:0009176.

Allele frequency attached by ClinVar (database versions not stated): gnomAD exomes 0.53646; ESP Exome Variant Server 0.57650; TOPMed 0.58969; gnomAD 0.57801 and 0.58602; 1000 Genomes Project 30x 0.54997; ExAC 0.53433; 1000 Genomes Project 0.54034.
gnomAD v4.1: 836,697 of 1,613,796 alleles (52%); highest among the groups gnomAD compares: African/African-American, 70%; 220,265 homozygotes.

Submissions (9):

Labcorp Genetics (formerly Invitae), Labcorp
Classification: Benign for Epidermodysplasia verruciformis. Last evaluated: 2026-02-04. Review status: criteria provided, single submitter. Criteria: Invitae Variant Classification Sherloc (09022015). Collection method: clinical testing. Allele origin: germline.

Blueprint Genetics
Classification: Benign. Last evaluated: 2024-11-28. Review status: criteria provided, single submitter. Criteria: ACMG Guidelines, 2015. Collection method: clinical testing. Allele origin: germline.

Unidad de Genómica Garrahan, Hospital de Pediatría Garrahan
Classification: Benign. Last evaluated: 2024-01-24. Review status: criteria provided, single submitter. Criteria: ACMG Guidelines, 2015. Collection method: clinical testing. Allele origin: germline. Affected: no. Observed: 73 variant alleles.
Comment: This variant is classified as Benign based on local population frequency. This variant was detected in 83% of patients studied by a panel of primary immunodeficiencies. Number of patients: 73. Only high quality variants are reported.

Genome-Nilou Lab
Classification: Benign for Epidermodysplasia verruciformis, susceptibility to, 2. Last evaluated: 2021-09-10. Review status: criteria provided, single submitter. Criteria: ACMG Guidelines, 2015. Collection method: clinical testing. Allele origin: germline. Affected: no.

GeneDx
Classification: Benign. Last evaluated: 2018-07-09. Review status: criteria provided, single submitter. Criteria: GeneDx Variant Classification Process June 2021. Collection method: clinical testing. Allele origin: germline. Affected: yes.

Laboratory for Molecular Medicine, Mass General Brigham Personalized Medicine
Classification: Benign. Last evaluated: 2016-03-29. Review status: criteria provided, single submitter. Criteria: LMM Criteria. Collection method: clinical testing. Allele origin: germline.
Comment: Variant identified in a genome or exome case(s) and assessed due to predicted null impact of the variant or pathogenic assertions in the literature or databases. Disclaimer: This variant has not undergone full assessment. The following are preliminary notes: Frequency

Breakthrough Genomics
Classification: Benign. Review status: criteria provided, single submitter. Criteria: ACMG Guidelines, 2015. Collection method: not provided. Allele origin: germline. Inheritance: Autosomal recessive inheritance. Affected: yes.

Diagnostic Laboratory, Department of Genetics, University Medical Center Groningen
Classification: Benign. Review status: no assertion criteria provided. Collection method: clinical testing. Allele origin: germline. Affected: yes. Study: VKGL Data-share Consensus. Not counted in ClinVar's aggregate classification.

Joint Genome Diagnostic Labs from Nijmegen and Maastricht, Radboudumc and MUMC+
Classification: Benign. Review status: no assertion criteria provided. Collection method: clinical testing. Allele origin: germline. Affected: yes. Study: VKGL Data-share Consensus. Not counted in ClinVar's aggregate classification.

NM_152468.5(TMC8):c.1107G>A (p.Glu369=)

Genes: TMC6 (transmembrane channel like 6; minus strand), TMC8 (transmembrane channel like 8; plus strand). Cytogenetic location: 17q25.3.
Variant type: single nucleotide variant.
Coding change: c.1107G>A on transcript NM_152468.5 (MANE Select); coding-DNA position 1107, G replaced by A.
Protein change: p.Glu369=; no amino-acid change (glutamic acid 369 retained).
Molecular consequence: synonymous variant.
Genome position (GRCh38, 1-based): chr17:78,134,989, G>A. VCF-style: chr17-78134989-G-A. GRCh37 (hg19) VCF-style: chr17-76131070-G-A.
Identifiers: ClinVar variation 403547 (VCV000403547.29), dbSNP rs12452890, ClinGen allele CA8796726.
Genomic context (GRCh38, chr17:78,134,989, plus strand): 5'-CCTGGGTCCCCTGCTGTTCACATTTCTGGTCCAGCTGGAGAACTACCCTCCCAACACGGA[G>A]GTCAACCTCACTCTGATCTGGTGAGTGCCACCCTTGGTGGGGACAAGTGGGCATGTAACA-3'
Protein context (NP_689681.2, residues 359-379): VQLENYPPNT[Glu369=]VNLTLIWCVV